The following is an entry in ClinVar:

NM_000088.4(COL1A1):c.1930-2A>G

Gene: COL1A1 (collagen type I alpha 1 chain; minus strand). Cytogenetic location: 17q21.33.
Variant type: single nucleotide variant.
Coding change: c.1930-2A>G on transcript NM_000088.4 (MANE Select); the canonical splice acceptor site of the intron before coding-DNA position 1930, A replaced by G.
Molecular consequence: splice acceptor variant.
Genome position (GRCh38, 1-based): chr17:50,192,530, T>C on the plus strand (A>G on the coding strand, the complement: COL1A1 is on the minus strand). VCF-style: chr17-50192530-T-C. GRCh37 (hg19) VCF-style: chr17-48269891-T-C.
Other names: c.1930-2A>G (NM_000088.3).
Identifiers: ClinVar variation 1368118 (VCV001368118.10), dbSNP rs2144563277, ClinGen allele CA400213520.

ClinVar aggregate classification (germline): Pathogenic. Review status: criteria provided, multiple submitters, no conflicts (2 of 4 stars). 3 submissions from 3 submitters: Pathogenic (3). Last evaluated 2025-05-09.

Conditions:
COL1A1-related disorder. Also called: COL1A1-related condition; COL1A1- related disease.
Osteogenesis imperfecta type I (OI1). Also called: OI, TYPE I; OSTEOGENESIS IMPERFECTA TARDA; OSTEOGENESIS IMPERFECTA WITH BLUE SCLERAE; Osteogenesis imperfecta type 1; Lobstein's Disease; Lobstein disease. Identifiers: Orphanet 216796, Orphanet 666, MedGen C0023931, MONDO:0008146, OMIM 166200. Disease mechanism: loss of function.

Submissions (3):

GeneDx
Classification: Pathogenic. Last evaluated: 2025-05-09. Review status: criteria provided, single submitter. Criteria: GeneDx Variant Classification Process June 2021. Collection method: clinical testing. Allele origin: germline. Affected: yes.
Comment: Damages or destroys the splice acceptor site in intron 28, and is expected to cause abnormal gene splicing; if the splice outcome is exon skip, the loss of the encoded residues in the triple helical region is expected to disrupt normal protein folding and function, and this is an established mechanism of disease (HGMD); Not observed at significant frequency in large population cohorts (gnomAD); This variant is associated with the following publications: (PMID: 35909573, 25963598, 27748872)

PreventionGenetics, part of Exact Sciences
Classification: Pathogenic for COL1A1-related condition. Last evaluated: 2025-04-28. Review status: criteria provided, single submitter. Criteria: ACMG Guidelines, 2015. Collection method: clinical testing. Allele origin: germline.
Comment: The COL1A1 c.1930-2A>G variant is predicted to disrupt the AG splice acceptor site and interfere with normal splicing. This variant was reported in at least one individual with osteogenesis imperfecta I (Table S3, Schleit et al. 2015. PubMed ID: 25963598; Table S4, Mei et al. 2022. PubMed ID: 35909573). This variant has not been reported in a large population database (gnomAD), indicating this variant is rare. Variants that disrupt the consensus splice acceptor site in COL1A1 are expected to be pathogenic. This variant is interpreted as pathogenic.

Labcorp Genetics (formerly Invitae), Labcorp
Classification: Pathogenic for Osteogenesis imperfecta type I. Last evaluated: 2023-12-01. Review status: criteria provided, single submitter. Criteria: Invitae Variant Classification Sherloc (09022015). Collection method: clinical testing. Allele origin: germline.
Comment: This sequence change affects an acceptor splice site in intron 28 of the COL1A1 gene. It is expected to disrupt RNA splicing. Variants that disrupt the donor or acceptor splice site typically lead to a loss of protein function (PMID: 16199547), and loss-of-function variants in COL1A1 are known to be pathogenic (PMID: 7942841, 9295084, 9443882). This variant is not present in population databases (gnomAD no frequency). Disruption of this splice site has been observed in individuals with osteogenesis imperfecta (PMID: 25963598, 27748872). ClinVar contains an entry for this variant (Variation ID: 1368118). Algorithms developed to predict the effect of sequence changes on RNA splicing suggest that this variant may disrupt the consensus splice site. For these reasons, this variant has been classified as Pathogenic.

Literature cited by the submitters: PubMed 16199547 (cited by Labcorp Genetics (formerly Invitae), Labcorp); PubMed 7942841 (cited by Labcorp Genetics (formerly Invitae), Labcorp); PubMed 9295084 (cited by Labcorp Genetics (formerly Invitae), Labcorp); PubMed 9443882 (cited by Labcorp Genetics (formerly Invitae), Labcorp); PubMed 25963598 (cited by Labcorp Genetics (formerly Invitae), Labcorp); PubMed 27748872 (cited by Labcorp Genetics (formerly Invitae), Labcorp).